The following is an entry in ClinVar:

NM_152564.5(VPS13B):c.31A>T (p.Met11Leu)

Gene: VPS13B (vacuolar protein sorting 13 homolog B; plus strand). Cytogenetic location: 8q22.2.
Variant type: single nucleotide variant.
Coding change: c.31A>T on transcript NM_152564.5 (MANE Select); coding-DNA position 31, A replaced by T.
Protein change: p.Met11Leu; replaces methionine 11 with leucine.
Molecular consequence: missense variant. On other transcripts: non-coding transcript variant (1).
Genome position (GRCh38, 1-based): chr8:99,013,819, A>T. VCF-style: chr8-99013819-A-T. GRCh37 (hg19) VCF-style: chr8-100026047-A-T.
Other names: c.31A>T, p.Met11Leu (NM_015243.3, NM_017890.5, NM_181661.3); short protein forms M11L.
Identifiers: ClinVar variation 2006593 (VCV002006593.1), dbSNP rs2488083712, ClinGen allele CA371856040.
Genomic context (GRCh38, chr8:99,013,819, plus strand): 5'-GCTTCCGACTTCGACTCCTTACCTTAAAAGATGCTGGAGTCATATGTAACTCCAATTTTA[A>T]TGAGCTATGTGAATCGCTACATCAAGAACTTAAAGCCGTCGGATCTACAGCTTTCACTAT-3'
Protein context (NP_689777.3, residues 1-21): MLESYVTPIL[Met11Leu]SYVNRYIKNL

ClinVar aggregate classification (germline): Uncertain significance (1 of 4 stars; one submission).

Conditions:
Cohen syndrome (COH1). Also called: PEPPER SYNDROME; Cutis verticis gyrata, retinitis pigmentosa, and sensorineural deafness. Identifiers: Orphanet 193, MedGen C0265223, MONDO:0008999, OMIM 216550.

Submission:

Labcorp Genetics (formerly Invitae), Labcorp
Classification: Uncertain significance for Cohen syndrome. Last evaluated: 2022-06-14. Review status: criteria provided, single submitter. Criteria: Invitae Variant Classification Sherloc (09022015). Collection method: clinical testing. Allele origin: germline.
Comment: This sequence change replaces methionine, which is neutral and non-polar, with leucine, which is neutral and non-polar, at codon 11 of the VPS13B protein (p.Met11Leu). This variant is not present in population databases (gnomAD no frequency). This variant has not been reported in the literature in individuals affected with VPS13B-related conditions. Algorithms developed to predict the effect of missense changes on protein structure and function output the following: SIFT: "Not Available"; PolyPhen-2: "Benign"; Align-GVGD: "Not Available". The leucine amino acid residue is found in multiple mammalian species, which suggests that this missense change does not adversely affect protein function. In summary, the available evidence is currently insufficient to determine the role of this variant in disease. Therefore, it has been classified as a Variant of Uncertain Significance.